The following is an entry in ClinVar:

ClinVar aggregate classification (germline): Uncertain significance. Review status: criteria provided, multiple submitters, no conflicts (2 of 4 stars). 2 submissions from 2 submitters: Uncertain significance (2). Last evaluated 2026-07-06.

Conditions:
DBH-related disorder. Also called: DBH-related condition.
Orthostatic hypotension 1 (ORTHYP1). Also called: NORADRENALINE DEFICIENCY; NOREPINEPHRINE DEFICIENCY; Dopamine beta-hydroxylase deficiency; Orthostatic hypotension 1, due to DBH deficiency. Identifiers: Orphanet 230, MedGen C4746777, MONDO:0009123, OMIM 223360.

Allele frequency attached by ClinVar (database versions not stated): gnomAD exomes 0.00001 and 0.00004; TOPMed 0.00001; ExAC 0.00002; gnomAD 0.00003 and 0.00004.
gnomAD v4.1: 26 of 1,613,202 alleles (0.0016%); highest among the groups gnomAD compares: Admixed American, 0.012%; no homozygotes.

Submissions (2):

PreventionGenetics, part of Exact Sciences
Classification: Uncertain significance for DBH-related condition. Last evaluated: 2026-07-06. Review status: criteria provided, single submitter. Criteria: ACMG Guidelines, 2015. Collection method: clinical testing. Allele origin: germline.
Comment: The DBH c.1374G>A variant is not predicted to result in an amino acid change (p.=). This variant is predicted to impact splicing based on available splicing prediction programs (SpliceAI, Jaganathan et al. 2019. PubMed ID: 30661751). To our knowledge, this variant has not been reported in the literature. This variant is reported in 0.011% of alleles in individuals of Latino descent in gnomAD. At this time, the clinical significance of this variant is uncertain due to the absence of conclusive functional and genetic evidence.

Labcorp Genetics (formerly Invitae), Labcorp
Classification: Uncertain significance for Orthostatic hypotension 1. Last evaluated: 2021-08-18. Review status: criteria provided, single submitter. Criteria: Invitae Variant Classification Sherloc (09022015). Collection method: clinical testing. Allele origin: germline.
Comment: This sequence change affects codon 458 of the DBH mRNA. It is a 'silent' change, meaning that it does not change the encoded amino acid sequence of the DBH protein. This variant also falls at the last nucleotide of exon 8, which is part of the consensus splice site for this exon. This variant is present in population databases (rs755089513, ExAC 0.006%). This variant has not been reported in the literature in individuals affected with DBH-related conditions. Variants that disrupt the consensus splice site are a relatively common cause of aberrant splicing (PMID: 17576681, 9536098). Algorithms developed to predict the effect of sequence changes on RNA splicing suggest that this variant may disrupt the consensus splice site. In summary, the available evidence is currently insufficient to determine the role of this variant in disease. Therefore, it has been classified as a Variant of Uncertain Significance.

Literature cited by the submitters: PubMed 17576681 (cited by Labcorp Genetics (formerly Invitae), Labcorp); PubMed 9536098 (cited by Labcorp Genetics (formerly Invitae), Labcorp).

NM_000787.4(DBH):c.1374G>A (p.Pro458=)

Gene: DBH (dopamine beta-hydroxylase; plus strand). Cytogenetic location: 9q34.2.
Variant type: single nucleotide variant.
Coding change: c.1374G>A on transcript NM_000787.4 (MANE Select); coding-DNA position 1374, G replaced by A.
Protein change: p.Pro458=; no amino-acid change (proline 458 retained).
Molecular consequence: synonymous variant.
Genome position (GRCh38, 1-based): chr9:133,652,284, G>A. VCF-style: chr9-133652284-G-A. GRCh37 (hg19) VCF-style: chr9-136517406-G-A.
Other names: c.1374G>A (NM_000787.3).
Identifiers: ClinVar variation 1426853 (VCV001426853.5), dbSNP rs755089513, ClinGen allele CA5313470.